The following is an entry in ClinVar:

ClinVar aggregate classification (germline): Uncertain significance (1 of 4 stars; one submission).

Conditions:
Cardiovascular phenotype. Identifiers: MedGen CN230736.

Submission:

Ambry Genetics
Classification: Uncertain significance for Cardiovascular phenotype. Last evaluated: 2025-10-27. Review status: criteria provided, single submitter. Criteria: Ambry Variant Classification Scheme 2023. Collection method: clinical testing. Allele origin: germline.
Comment: The p.D419N variant (also known as c.1255G>A), located in coding exon 19 of the TRDN gene, results from a G to A substitution at nucleotide position 1255. The aspartic acid at codon 419 is replaced by asparagine, an amino acid with highly similar properties. This amino acid position is conserved. In addition, this alteration is predicted to be tolerated by in silico analysis. Based on the available evidence, the clinical significance of this variant remains unclear.

NM_006073.4(TRDN):c.1255G>A (p.Asp419Asn)

Gene: TRDN (triadin; minus strand). Cytogenetic location: 6q22.31.
Variant type: single nucleotide variant.
Coding change: c.1255G>A on transcript NM_006073.4 (MANE Select); coding-DNA position 1255, G replaced by A.
Protein change: p.Asp419Asn; replaces aspartic acid 419 with asparagine.
Molecular consequence: missense variant.
Genome position (GRCh38, 1-based): chr6:123,375,623, C>T on the plus strand (G>A on the coding strand, the complement: TRDN is on the minus strand). VCF-style: chr6-123375623-C-T. GRCh37 (hg19) VCF-style: chr6-123696768-C-T.
Other names: c.1258G>A, p.Asp420Asn (NM_001251987.2); c.1198G>A, p.Asp400Asn (NM_001407315.1); short protein forms D419N, D400N, D420N.
Identifiers: ClinVar variation 4615242 (VCV004615242.1).
Genomic context (GRCh38, chr6:123,375,623, plus strand): 5'-CTGCCCAAATATGCTCTTCTTTAAAAATTTTGTTCAACATACTTGCTTTTACTTGTTTGT[C>T]ACTTGGAACTGTTAATGACAAGAAATAATAAGGTCAACAGTAATTACAAATCTGCTTATC-3'
Protein context (NP_006064.2, residues 409-429): SPKKEHSVPS[Asp419Asn]KQVKAKTERA